The following is an entry in ClinVar:

ClinVar aggregate classification (germline): Uncertain significance (1 of 4 stars; one submission).

Submission:

Ambry Genetics
Classification: Uncertain significance. Last evaluated: 2024-08-30. Review status: criteria provided, single submitter. Criteria: Ambry Variant Classification Scheme 2023. Collection method: clinical testing. Allele origin: germline.
Comment: The p.A63D variant (also known as c.188C>A), located in coding exon 1 of the BUB3 gene, results from a C to A substitution at nucleotide position 188. The alanine at codon 63 is replaced by aspartic acid, an amino acid with dissimilar properties. This amino acid position is conserved. In addition, this alteration is predicted to be deleterious by in silico analysis. Since supporting evidence is limited at this time, the clinical significance of this alteration remains unclear.

NM_004725.4(BUB3):c.188C>A (p.Ala63Asp)

Gene: BUB3 (BUB3 mitotic checkpoint protein; plus strand). Cytogenetic location: 10q26.13.
Variant type: single nucleotide variant.
Coding change: c.188C>A on transcript NM_004725.4 (MANE Select); coding-DNA position 188, C replaced by A.
Protein change: p.Ala63Asp; replaces alanine 63 with aspartic acid.
Molecular consequence: missense variant.
Genome position (GRCh38, 1-based): chr10:123,155,105, C>A. VCF-style: chr10-123155105-C-A. GRCh37 (hg19) VCF-style: chr10-124914621-C-A.
Other names: c.188C>A, p.Ala63Asp (NM_001007793.3); short protein forms A63D.
Identifiers: ClinVar variation 1782034 (VCV001782034.3), dbSNP rs2493755667, ClinGen allele CA378625121.
Genomic context (GRCh38, chr10:123,155,105, plus strand): 5'-ATGTGCCGGCCAACTCCATGCGGCTCAAGTACCAGCACACCGGCGCCGTCCTGGACTGCG[C>A]CTTCTACGTAGGTGCCCTCCCGCCCTGCTCCTGCCCTCTTACTGTGTTAACGATTCTCCA-3'
Protein context (NP_004716.1, residues 53-73): YQHTGAVLDC[Ala63Asp]FYDPTHAWSG